The following is an entry in ClinVar:

NM_004360.5(CDH1):c.84C>T (p.Cys28=)

Gene: CDH1 (cadherin 1; plus strand). Cytogenetic location: 16q22.1.
Variant type: single nucleotide variant.
Coding change: c.84C>T on transcript NM_004360.5 (MANE Select); coding-DNA position 84, C replaced by T.
Protein change: p.Cys28=; no amino-acid change (cysteine 28 retained).
Molecular consequence: synonymous variant. On other transcripts: 5 prime UTR variant (2).
Genome position (GRCh38, 1-based): chr16:68,738,332, C>T. VCF-style: chr16-68738332-C-T. GRCh37 (hg19) VCF-style: chr16-68772235-C-T.
Other names: c.84C>T, p.Cys28= (NM_001317184.2); c.-1532C>T (NM_001317185.2); c.-1736C>T (NM_001317186.2); c.84C>T (LRG_301t1).
Identifiers: ClinVar variation 136070 (VCV000136070.36), dbSNP rs587780789, ClinGen allele CA188916.

ClinVar aggregate classification (germline): Benign/Likely benign. Review status: criteria provided, multiple submitters, no conflicts (2 of 4 stars). 11 submissions from 11 submitters: Benign (2); Likely benign (9). Last evaluated 2026-01-05.

Conditions:
Ovarian neoplasm. Also called: Ovarian Neoplasms; Neoplasm of ovary; Ovarian tumor. Identifiers: MedGen C0919267, MeSH D010051, MONDO:0021068, HP:0100615.
Prostate cancer. Also called: Malignant tumor of prostate. Identifiers: Orphanet 1331, MedGen C0376358, MONDO:0008315, HP:0012125.
Familial cancer of breast. Also called: BREAST CANCER, FAMILIAL; Hereditary breast cancer; hereditary breast carcinoma. Identifiers: Orphanet 227535, MedGen C0346153, MONDO:0016419, OMIM 114480. Disease mechanism: loss of function.
Hereditary diffuse gastric adenocarcinoma (HDGC). Also called: DIFFUSE GASTRIC AND LOBULAR BREAST CANCER SYNDROME. Identifiers: Orphanet 26106, MedGen C1708349, MONDO:0007648, OMIM 137215.
Blepharocheilodontic syndrome 1 (BCDS1). Identifiers: Orphanet 1997, MedGen C4551988, MONDO:0054740, OMIM 119580.
Endometrial carcinoma. Also called: Endometrial carcinoma, somatic. Identifiers: MedGen C0476089, MONDO:0002447, OMIM 608089, HP:0012114.
CDH1-related diffuse gastric and lobular breast cancer syndrome. Also called: CDH1-related diffuse gastric and lobular breast cancer. Identifiers: MedGen CN311521, MONDO:0100488.
Hereditary cancer-predisposing syndrome. Also called: Hereditary Cancer Syndrome; Tumor predisposition; Hereditary neoplastic syndrome; Neoplastic Syndromes, Hereditary. Identifiers: Orphanet 140162, MedGen C0027672, MeSH D009386, MONDO:0015356.

Allele frequency attached by ClinVar (database versions not stated): gnomAD exomes 0.00003 and 0.00012; gnomAD 0.00004; TOPMed 0.00006.
gnomAD v4.1: 169 of 1,536,408 alleles (0.011%); highest among the groups gnomAD compares: Non-Finnish European, 0.014%; no homozygotes.

Submissions (11):

Labcorp Genetics (formerly Invitae), Labcorp
Classification: Likely benign for Hereditary diffuse gastric adenocarcinoma. Last evaluated: 2026-01-05. Review status: criteria provided, single submitter. Criteria: Invitae Variant Classification Sherloc (09022015). Collection method: clinical testing. Allele origin: germline.

ARUP Laboratories, Molecular Genetics and Genomics, ARUP Laboratories
Classification: Likely benign. Last evaluated: 2025-06-11. Review status: criteria provided, single submitter. Criteria: ARUP Molecular Germline Variant Investigation Process 2024. Collection method: clinical testing. Allele origin: germline.

Center for Genomic Medicine, Rigshospitalet, Copenhagen University Hospital
Classification: Likely benign. Last evaluated: 2025-03-04. Review status: criteria provided, single submitter. Criteria: ACMG Guidelines, 2015. Collection method: clinical testing. Allele origin: germline.

Blueprint Genetics
Classification: Likely benign. Last evaluated: 2024-09-20. Review status: criteria provided, single submitter. Criteria: ACMG Guidelines, 2015. Collection method: clinical testing. Allele origin: germline.

Myriad Genetics, Inc.
Classification: Benign for Hereditary diffuse gastric adenocarcinoma. Last evaluated: 2024-09-11. Review status: criteria provided, single submitter. Criteria: Myriad Autosomal Dominant, Autosomal Recessive and X-Linked Classification Criteria (2023). Collection method: clinical testing. Allele origin: unknown.
Comment: This variant is considered benign. This variant is a silent/synonymous amino acid change and it is not expected to impact splicing.

Department of Pathology and Laboratory Medicine, Sinai Health System
Classification: Likely benign for CDH1-related diffuse gastric and lobular breast cancer syndrome. Last evaluated: 2022-11-09. Review status: criteria provided, single submitter. Criteria: ACMG Guidelines, 2015. Collection method: clinical testing. Allele origin: germline. Affected: no.

Fulgent Genetics
Classification: Likely benign for Familial cancer of breast; Blepharocheilodontic syndrome 1; Hereditary diffuse gastric adenocarcinoma; Ovarian cancer; Familial prostate cancer; Endometrial carcinoma. Last evaluated: 2021-12-22. Review status: criteria provided, single submitter. Criteria: ACMG Guidelines, 2015. Collection method: clinical testing. Allele origin: unknown.

Women's Health and Genetics/Laboratory Corporation of America, LabCorp
Classification: Likely benign. Last evaluated: 2018-03-16. Review status: criteria provided, single submitter. Criteria: LabCorp Variant Classification Summary - May 2015. Collection method: clinical testing. Allele origin: germline.
Comment: Variant summary: CDH1 c.84C>T alters a non-conserved nucleotide resulting in a synonymous change. 5/5 computational tools predict no significant impact on normal splicing. However, these predictions have yet to be confirmed by functional studies. The variant allele was found at a frequency of 7.00e-05 within Non-Finnish European control individuals (i.e. 4/57386 control chromosomes) in the gnomAD database, which is approximately 2-fold of the estimated maximal expected allele frequency for a pathogenic variant in CDH1 causing Hereditary Diffuse Gastric Cancer phenotype (2.8e-05), suggesting that the variant is a benign polymorphism found primarily in populations of Non-Finnish European origin. To our knowledge, no occurrence of c.84C>T in individuals affected with Hereditary Diffuse Gastric Cancer and no experimental evidence demonstrating its impact on protein function have been reported. Two clinical diagnostic laboratories have submitted clinical-significance assessments for this variant to ClinVar after 2014 without evidence for independent evaluation, and both of them classified the variant as likely benign. Based on the evidence outlined above, the variant was classified as likely benign.

Color Diagnostics, LLC DBA Color Health
Classification: Likely benign for Hereditary cancer-predisposing syndrome. Last evaluated: 2015-08-03. Review status: criteria provided, single submitter. Criteria: ACMG Guidelines, 2015. Collection method: clinical testing. Allele origin: germline.

GeneDx
Classification: Benign. Last evaluated: 2015-07-01. Review status: criteria provided, single submitter. Criteria: GeneDx Variant Classification (06012015). Collection method: clinical testing. Allele origin: germline. Affected: yes.
Comment: This variant is considered likely benign or benign based on one or more of the following criteria: it is a conservative change, it occurs at a poorly conserved position in the protein, it is predicted to be benign by multiple in silico algorithms, and/or has population frequency not consistent with disease.

Ambry Genetics
Classification: Likely benign for Hereditary cancer-predisposing syndrome. Last evaluated: 2014-10-31. Review status: criteria provided, single submitter. Criteria: Ambry Variant Classification Scheme 2023. Collection method: clinical testing. Allele origin: germline.